The following is an entry in ClinVar:

ClinVar aggregate classification (germline): Uncertain significance. Review status: criteria provided, multiple submitters, no conflicts (2 of 4 stars). 2 submissions from 2 submitters: Uncertain significance (2). Last evaluated 2025-04-16.

Allele frequency attached by ClinVar (database versions not stated): TOPMed 0.00001; ExAC 0.00001.
gnomAD v4.1: 13 of 1,613,242 alleles (0.00081%); highest among the groups gnomAD compares: Non-Finnish European, 0.001%; no homozygotes.

Submissions (2):

Labcorp Genetics (formerly Invitae), Labcorp
Classification: Uncertain significance. Last evaluated: 2025-04-16. Review status: criteria provided, single submitter. Criteria: Invitae Variant Classification Sherloc (09022015). Collection method: clinical testing. Allele origin: germline.
Comment: This sequence change replaces glutamic acid, which is acidic and polar, with lysine, which is basic and polar, at codon 1955 of the NIN protein (p.Glu1955Lys). This variant is present in population databases (rs762670219, gnomAD 0.0009%). This variant has not been reported in the literature in individuals affected with NIN-related conditions. ClinVar contains an entry for this variant (Variation ID: 2617237). An algorithm developed to predict the effect of missense changes on protein structure and function (PolyPhen-2) suggests that this variant is likely to be disruptive. In summary, the available evidence is currently insufficient to determine the role of this variant in disease. Therefore, it has been classified as a Variant of Uncertain Significance.

Ambry Genetics
Classification: Uncertain significance. Last evaluated: 2023-08-08. Review status: criteria provided, single submitter. Criteria: Ambry Variant Classification Scheme 2023. Collection method: clinical testing. Allele origin: germline.

NM_020921.4(NIN):c.5863G>A (p.Glu1955Lys)

Gene: NIN (ninein; minus strand). Cytogenetic location: 14q22.1.
Variant type: single nucleotide variant.
Coding change: c.5863G>A on transcript NM_020921.4 (MANE Select); coding-DNA position 5863, G replaced by A.
Protein change: p.Glu1955Lys; replaces glutamic acid 1955 with lysine.
Molecular consequence: missense variant.
Genome position (GRCh38, 1-based): chr14:50,735,530, C>T on the plus strand (G>A on the coding strand, the complement: NIN is on the minus strand). VCF-style: chr14-50735530-C-T. GRCh37 (hg19) VCF-style: chr14-51202248-C-T.
Other names: c.3724G>A, p.Glu1242Lys (NM_016350.5); c.5863G>A, p.Glu1955Lys (NM_182944.3, NM_182946.2); short protein forms E1242K, E1955K.
Identifiers: ClinVar variation 2617237 (VCV002617237.4), dbSNP rs762670219, ClinGen allele CA7181130.